The following is an entry in ClinVar:

NM_016653.3(MAP3K20):c.2192A>G (p.Lys731Arg)

Genes: MAP3K20 (mitogen-activated protein kinase kinase kinase 20; plus strand), MAP3K20-AS1 (MAP3K20 antisense RNA 1; minus strand). Cytogenetic location: 2q31.1.
Variant type: single nucleotide variant.
Coding change: c.2192A>G on transcript NM_016653.3 (MANE Select); coding-DNA position 2192, A replaced by G.
Protein change: p.Lys731Arg; replaces lysine 731 with arginine.
Molecular consequence: missense variant.
Genome position (GRCh38, 1-based): chr2:173,266,539, A>G. VCF-style: chr2-173266539-A-G. GRCh37 (hg19) VCF-style: chr2-174131267-A-G.
Other names: short protein forms K731R.
Identifiers: ClinVar variation 1496434 (VCV001496434.3), dbSNP rs767063842, ClinGen allele CA1971052.
Genomic context (GRCh38, chr2:173,266,539, plus strand): 5'-CTGGAAAGTTCTACAGGGTTTCTCAGTCAGCACTCAATCCTCACCAGTCGCCTGACTTCA[A>G]GAGAAGCCCCAGGGACCTCCACCAACCCAACACCATACCAGGGATGCCTTTGCACCCTGA-3'
Protein context (NP_057737.2, residues 721-741): ALNPHQSPDF[Lys731Arg]RSPRDLHQPN

ClinVar aggregate classification (germline): Uncertain significance (1 of 4 stars; one submission).

Allele frequency attached by ClinVar (database versions not stated): ExAC 0.00001; gnomAD 0.00001; gnomAD exomes 0.00001 and 0.00003; TOPMed 0.00001.
gnomAD v4.1: 51 of 1,613,846 alleles (0.0032%); highest among the groups gnomAD compares: Non-Finnish European, 0.0041%; no homozygotes.

Submission:

Labcorp Genetics (formerly Invitae), Labcorp
Classification: Uncertain significance. Last evaluated: 2021-03-07. Review status: criteria provided, single submitter. Criteria: Invitae Variant Classification Sherloc (09022015). Collection method: clinical testing. Allele origin: germline.
Comment: This sequence change replaces lysine with arginine at codon 731 of the MAP3K20 protein (p.Lys731Arg). The lysine residue is moderately conserved and there is a small physicochemical difference between lysine and arginine. This variant is present in population databases (rs767063842, ExAC 0.002%). This variant has not been reported in the literature in individuals with MAP3K20-related conditions. Experimental studies and prediction algorithms are not available or were not evaluated, and the functional significance of this variant is currently unknown. In summary, the available evidence is currently insufficient to determine the role of this variant in disease. Therefore, it has been classified as a Variant of Uncertain Significance.